The following is an entry in ClinVar:

ClinVar aggregate classification (germline): Uncertain significance (1 of 4 stars; one submission).

Conditions:
Developmental and epileptic encephalopathy, 30 (DEE30). Also called: Epileptic encephalopathy, early infantile, 30. Identifiers: MedGen C4225360, MONDO:0014595, OMIM 616341.

Submission:

Labcorp Genetics (formerly Invitae), Labcorp
Classification: Uncertain significance for Developmental and epileptic encephalopathy, 30. Last evaluated: 2023-02-22. Review status: criteria provided, single submitter. Criteria: Invitae Variant Classification Sherloc (09022015). Collection method: clinical testing. Allele origin: germline.
Comment: In summary, the available evidence is currently insufficient to determine the role of this variant in disease. Therefore, it has been classified as a Variant of Uncertain Significance. Advanced modeling of protein sequence and biophysical properties (such as structural, functional, and spatial information, amino acid conservation, physicochemical variation, residue mobility, and thermodynamic stability) performed at Invitae indicates that this missense variant is not expected to disrupt SIK1 protein function. ClinVar contains an entry for this variant (Variation ID: 1405415). This variant has not been reported in the literature in individuals affected with SIK1-related conditions. This variant is not present in population databases (gnomAD no frequency). This sequence change replaces leucine, which is neutral and non-polar, with valine, which is neutral and non-polar, at codon 713 of the SIK1 protein (p.Leu713Val).

NM_173354.5(SIK1):c.2137C>G (p.Leu713Val)

Gene: SIK1 (salt inducible kinase 1; minus strand). Cytogenetic location: 21q22.3.
Variant type: single nucleotide variant.
Coding change: c.2137C>G on transcript NM_173354.5 (MANE Select); coding-DNA position 2137, C replaced by G.
Protein change: p.Leu713Val; replaces leucine 713 with valine.
Molecular consequence: missense variant.
Genome position (GRCh38, 1-based): chr21:43,416,957, G>C on the plus strand (C>G on the coding strand, the complement: SIK1 is on the minus strand). VCF-style: chr21-43416957-G-C. GRCh37 (hg19) VCF-style: chr21-44836837-G-C.
Other names: short protein forms L713V.
Identifiers: ClinVar variation 1405415 (VCV001405415.8), dbSNP rs2146467751, ClinGen allele CA410606585.